The following is an entry in ClinVar:

NM_053013.4(ENO3):c.1248T>G (p.Ala416=)

Gene: ENO3 (enolase 3; plus strand). Cytogenetic location: 17p13.2.
Variant type: single nucleotide variant.
Coding change: c.1248T>G on transcript NM_053013.4 (MANE Select); coding-DNA position 1248, T replaced by G.
Protein change: p.Ala416=; no amino-acid change (alanine 416 retained).
Molecular consequence: synonymous variant.
Genome position (GRCh38, 1-based): chr17:4,956,990, T>G. VCF-style: chr17-4956990-T-G. GRCh37 (hg19) VCF-style: chr17-4860285-T-G.
Other names: c.1119T>G, p.Ala373= (NM_001193503.2); c.1248T>G, p.Ala416= (NM_001976.5).
Identifiers: ClinVar variation 518005 (VCV000518005.1), dbSNP rs1555554529, ClinGen allele CA497679276.

ClinVar aggregate classification (germline): Likely benign (1 of 4 stars; one submission).

Allele frequency attached by ClinVar (database versions not stated): gnomAD exomes below 0.00001.
gnomAD v4.1: 1 of 1,614,206 alleles (0.000062%); highest among the groups gnomAD compares: Non-Finnish European, 0.000085%; no homozygotes.

Submission:

GeneDx
Classification: Likely benign. Last evaluated: 2017-07-17. Review status: criteria provided, single submitter. Criteria: GeneDx Variant Classification (06012015). Collection method: clinical testing. Allele origin: germline. Affected: yes.
Comment: This variant is considered likely benign or benign based on one or more of the following criteria: it is a conservative change, it occurs at a poorly conserved position in the protein, it is predicted to be benign by multiple in silico algorithms, and/or has population frequency not consistent with disease.